The following is an entry in ClinVar:

NM_000027.4(AGA):c.611A>T (p.His204Leu)

Gene: AGA (aspartylglucosaminidase; minus strand). Cytogenetic location: 4q34.3.
Variant type: single nucleotide variant.
Coding change: c.611A>T on transcript NM_000027.4 (MANE Select); coding-DNA position 611, A replaced by T.
Protein change: p.His204Leu; replaces histidine 204 with leucine.
Molecular consequence: missense variant. On other transcripts: non-coding transcript variant (1).
Genome position (GRCh38, 1-based): chr4:177,437,416, T>A on the plus strand (A>T on the coding strand, the complement: AGA is on the minus strand). VCF-style: chr4-177437416-T-A. GRCh37 (hg19) VCF-style: chr4-178358570-T-A.
Other names: c.611A>T, p.His204Leu (NM_001171988.2); short protein forms H204L.
Identifiers: ClinVar variation 2863570 (VCV002863570.3), dbSNP rs2476862436, ClinGen allele CA358782572.
Genomic context (GRCh38, chr4:177,437,416, plus strand): 5'-GATAATTAACTAAACTTTATCCATAAAAACTGCACAAAAGGCAAATTACCAATAGTGTCA[T>A]GACCACGATCATCTTCTGTTTCTTTATGGATAGGAATATCCTGCTTTAAGATACCAGGTG-3'
Protein context (NP_000018.2, residues 194-214): IHKETEDDRG[His204Leu]DTIGMVVIHK

ClinVar aggregate classification (germline): Uncertain significance (1 of 4 stars; one submission).

Conditions:
Aspartylglucosaminuria (AGU). Also called: Aspartylglucos-aminuria; Aspartylglucos-amidase (AGA) deficiency; AGA DEFICIENCY; GLYCOASPARAGINASE; GLYCOSYLASPARAGINASE DEFICIENCY. Identifiers: Orphanet 93, MedGen C0268225, MONDO:0008830, OMIM 208400, HP:0012068.

Submission:

Labcorp Genetics (formerly Invitae), Labcorp
Classification: Uncertain significance for Aspartylglucosaminuria. Last evaluated: 2023-05-12. Review status: criteria provided, single submitter. Criteria: Invitae Variant Classification Sherloc (09022015). Collection method: clinical testing. Allele origin: germline.
Comment: This sequence change replaces histidine, which is basic and polar, with leucine, which is neutral and non-polar, at codon 204 of the AGA protein (p.His204Leu). This variant is not present in population databases (gnomAD no frequency). This variant has not been reported in the literature in individuals affected with AGA-related conditions. Advanced modeling of protein sequence and biophysical properties (such as structural, functional, and spatial information, amino acid conservation, physicochemical variation, residue mobility, and thermodynamic stability) performed at Invitae indicates that this missense variant is expected to disrupt AGA protein function. In summary, the available evidence is currently insufficient to determine the role of this variant in disease. Therefore, it has been classified as a Variant of Uncertain Significance.